The following is an entry in ClinVar:

NM_153252.5(BRWD3):c.2721G>A (p.Lys907=)

Gene: BRWD3 (bromodomain and WD repeat domain containing 3; minus strand). Cytogenetic location: Xq21.1.
Variant type: single nucleotide variant.
Coding change: c.2721G>A on transcript NM_153252.5 (MANE Select); coding-DNA position 2721, G replaced by A.
Protein change: p.Lys907=; no amino-acid change (lysine 907 retained).
Molecular consequence: synonymous variant.
Genome position (GRCh38, 1-based): chrX:80,704,678, C>T on the plus strand (G>A on the coding strand, the complement: BRWD3 is on the minus strand). VCF-style: chrX-80704678-C-T. GRCh37 (hg19) VCF-style: chrX-79960177-C-T.
Other names: c.2571G>A, p.Lys857= (NM_001441339.1).
Identifiers: ClinVar variation 4538985 (VCV004538985.1).

ClinVar aggregate classification (germline): Uncertain significance (1 of 4 stars; one submission).

Submission:

GeneDx
Classification: Uncertain significance. Last evaluated: 2025-06-20. Review status: criteria provided, single submitter. Criteria: GeneDx Variant Classification Process June 2021. Collection method: clinical testing. Allele origin: germline. Affected: yes.
Comment: Not observed at significant frequency in large population cohorts (gnomAD); Has not been previously published as pathogenic or benign to our knowledge; In silico analysis suggests this variant may impact gene splicing. In the absence of RNA/functional studies, the actual effect of this sequence change is unknown.